The following is an entry in ClinVar:

ClinVar aggregate classification (germline): Uncertain significance. Review status: criteria provided, multiple submitters, no conflicts (2 of 4 stars). 3 submissions from 3 submitters: Uncertain significance (3). Last evaluated 2024-01-08.

Conditions:
Hereditary cancer-predisposing syndrome. Also called: Neoplastic Syndromes, Hereditary; Tumor predisposition; Hereditary neoplastic syndrome; Hereditary Cancer Syndrome. Identifiers: Orphanet 140162, MedGen C0027672, MeSH D009386, MONDO:0015356.
Lynch syndrome 4 (LYNCH4). Also called: Colorectal cancer, hereditary nonpolyposis, type 4; Hereditary non-polyposis colorectal cancer, type 4. Identifiers: Orphanet 144, MedGen C1838333, MONDO:0013699, OMIM 614337. Disease mechanism: loss of function.
Hereditary nonpolyposis colorectal neoplasms. Identifiers: MedGen C0009405, MeSH D003123.

Allele frequency attached by ClinVar (database versions not stated): gnomAD exomes 0.00001.

Submissions (3):

Baylor Genetics
Classification: Uncertain significance for Lynch syndrome 4. Last evaluated: 2024-01-08. Review status: criteria provided, single submitter. Criteria: ACMG Guidelines, 2015. Collection method: clinical testing. Allele origin: unknown.

Color Diagnostics, LLC DBA Color Health
Classification: Uncertain significance for Hereditary cancer-predisposing syndrome. Last evaluated: 2023-12-05. Review status: criteria provided, single submitter. Criteria: ACMG Guidelines, 2015. Collection method: clinical testing. Allele origin: germline.
Comment: This missense variant replaces alanine with valine at codon 608 of the PMS2 protein. Computational prediction suggests that this variant may not impact protein structure and function (internally defined REVEL score threshold <= 0.5, PMID: 27666373). To our knowledge, functional studies have not been reported for this variant. This variant has not been reported in individuals affected with PMS2-related disorders in the literature. This variant has not been identified in the general population by the Genome Aggregation Database (gnomAD). The available evidence is insufficient to determine the role of this variant in disease conclusively. Therefore, this variant is classified as a Variant of Uncertain Significance.

Labcorp Genetics (formerly Invitae), Labcorp
Classification: Uncertain significance for Hereditary nonpolyposis colorectal neoplasms. Last evaluated: 2023-12-02. Review status: criteria provided, single submitter. Criteria: Invitae Variant Classification Sherloc (09022015). Collection method: clinical testing. Allele origin: germline.
Comment: This sequence change replaces alanine, which is neutral and non-polar, with valine, which is neutral and non-polar, at codon 608 of the PMS2 protein (p.Ala608Val). This variant is not present in population databases (gnomAD no frequency). This variant has not been reported in the literature in individuals affected with PMS2-related conditions. ClinVar contains an entry for this variant (Variation ID: 628315). Advanced modeling of protein sequence and biophysical properties (such as structural, functional, and spatial information, amino acid conservation, physicochemical variation, residue mobility, and thermodynamic stability) performed at Invitae indicates that this missense variant is expected to disrupt PMS2 protein function with a positive predictive value of 80%. In summary, the available evidence is currently insufficient to determine the role of this variant in disease. Therefore, it has been classified as a Variant of Uncertain Significance.

NM_000535.7(PMS2):c.1823C>T (p.Ala608Val)

Gene: PMS2 (PMS1 homolog 2, mismatch repair system component; minus strand). Cytogenetic location: 7p22.1.
Variant type: single nucleotide variant.
Coding change: c.1823C>T on transcript NM_000535.7 (MANE Select); coding-DNA position 1823, C replaced by T.
Protein change: p.Ala608Val; replaces alanine 608 with valine.
Molecular consequence: missense variant. On other transcripts: non-coding transcript variant (1).
Genome position (GRCh38, 1-based): chr7:5,986,942, G>A on the plus strand (C>T on the coding strand, the complement: PMS2 is on the minus strand). VCF-style: chr7-5986942-G-A. GRCh37 (hg19) VCF-style: chr7-6026573-G-A.
Other names: c.1418C>T, p.Ala473Val (NM_001322003.2, NM_001322004.2, NM_001322005.2 and 1 more transcripts); c.1667C>T, p.Ala556Val (NM_001322006.2); c.1505C>T, p.Ala502Val (NM_001322007.2, NM_001322008.2); c.1262C>T, p.Ala421Val (NM_001322010.2); c.890C>T, p.Ala297Val (NM_001322011.2, NM_001322012.2); c.1250C>T, p.Ala417Val (NM_001322013.2); c.1823C>T, p.Ala608Val (NM_001322014.2); c.1514C>T, p.Ala505Val (NM_001322015.2); short protein forms A608V, A297V, A417V, A502V, A505V, A473V, A556V, A421V.
Identifiers: ClinVar variation 628315 (VCV000628315.16), dbSNP rs1562627020, ClinGen allele CA366739704.